The following is an entry in ClinVar:

ClinVar aggregate classification (germline): Likely benign. Review status: criteria provided, multiple submitters, no conflicts (2 of 4 stars). 5 submissions from 5 submitters: Likely benign (2). 3 of the submissions do not count toward it. Last evaluated 2024-11-25.

Conditions:
THPO-related disorder. Also called: THPO-related condition.

Allele frequency attached by ClinVar (database versions not stated): 1000 Genomes Project 0.00559; gnomAD 0.00584 and 0.00629; TOPMed 0.00631; 1000 Genomes Project 30x 0.00640.
gnomAD v4.1: 9,220 of 985,492 alleles (0.94%); highest among the groups gnomAD compares: South Asian, 2%; 45 homozygotes.

Submissions (5):

Blueprint Genetics
Classification: Likely benign. Last evaluated: 2024-11-25. Review status: criteria provided, single submitter. Criteria: ACMG Guidelines, 2015. Collection method: clinical testing. Allele origin: germline.

Breakthrough Genomics
Classification: Likely benign. Review status: criteria provided, single submitter. Criteria: ACMG Guidelines, 2015. Collection method: not provided. Allele origin: germline. Inheritance: Autosomal dominant inheritance. Affected: yes.

PreventionGenetics, part of Exact Sciences
Classification: Benign for THPO-related condition. Last evaluated: 2019-06-26. Review status: no assertion criteria provided. Collection method: clinical testing. Allele origin: germline. Not counted in ClinVar's aggregate classification.
Comment: This variant is classified as benign based on ACMG/AMP sequence variant interpretation guidelines (Richards et al. 2015 PMID: 25741868, with internal and published modifications).

Diagnostic Laboratory, Department of Genetics, University Medical Center Groningen
Classification: Benign. Review status: no assertion criteria provided. Collection method: clinical testing. Allele origin: germline. Affected: yes. Study: VKGL Data-share Consensus. Not counted in ClinVar's aggregate classification.

Joint Genome Diagnostic Labs from Nijmegen and Maastricht, Radboudumc and MUMC+
Classification: Likely benign. Review status: no assertion criteria provided. Collection method: clinical testing. Allele origin: germline. Affected: yes. Study: VKGL Data-share Consensus. Not counted in ClinVar's aggregate classification.

NM_000460.4(THPO):c.-259G>A

Gene: THPO (thrombopoietin; minus strand). Cytogenetic location: 3q27.1.
Variant type: single nucleotide variant.
Coding change: c.-259G>A on transcript NM_000460.4 (MANE Select); 259 bases upstream of the start codon, G replaced by A.
Molecular consequence: 5 prime UTR variant. On other transcripts: synonymous variant (1), intron variant (1).
Genome position (GRCh38, 1-based): chr3:184,378,188, C>T on the plus strand (G>A on the coding strand, the complement: THPO is on the minus strand). VCF-style: chr3-184378188-C-T. GRCh37 (hg19) VCF-style: chr3-184095976-C-T.
Other names: c.-259G>A (NM_001177597.2, NM_001177598.2, NM_001289997.1 and 4 more transcripts); c.162G>A, p.Ala54= (NM_001290003.1); c.-146+1403G>A (NM_001290028.1).
Identifiers: ClinVar variation 1175002 (VCV001175002.9), dbSNP rs41266279, ClinGen allele CA88918069.